The following is an entry in ClinVar:

NM_182476.3(COQ6):c.877G>T (p.Val293Phe)

Genes: COQ6 (coenzyme Q6, monooxygenase; plus strand), ENTPD5 (ectonucleoside triphosphate diphosphohydrolase 5; minus strand). Cytogenetic location: 14q24.3.
Variant type: single nucleotide variant.
Coding change: c.877G>T on transcript NM_182476.3 (MANE Select); coding-DNA position 877, G replaced by T.
Protein change: p.Val293Phe; replaces valine 293 with phenylalanine.
Molecular consequence: missense variant. On other transcripts: 3 prime UTR variant (3), intron variant (4).
Genome position (GRCh38, 1-based): chr14:73,959,508, G>T. VCF-style: chr14-73959508-G-T. GRCh37 (hg19) VCF-style: chr14-74426211-G-T.
Other names: c.877G>T, p.Val293Phe (NM_001425255.1); c.712G>T, p.Val238Phe (NM_001425257.1); c.652G>T, p.Val218Phe (NM_001425259.1, NM_001425260.1, NM_001425261.1); c.622G>T, p.Val208Phe (NM_001425262.1); c.550G>T, p.Val184Phe (NM_001425263.1); c.337G>T, p.Val113Phe (NM_001425264.1, NM_001425265.1); c.802G>T, p.Val268Phe (NM_182480.3); c.*22C>A (NM_001330189.2, NM_001382259.1, NM_001382260.1); and 4 more; short protein forms V268F, V293F.
Identifiers: ClinVar variation 1448630 (VCV001448630.8), dbSNP rs201706177, ClinGen allele CA7264359.

ClinVar aggregate classification (germline): Uncertain significance (1 of 4 stars; one submission).

Allele frequency attached by ClinVar (database versions not stated): ESP Exome Variant Server 0.00008.
gnomAD v4.1: 12 of 1,614,006 alleles (0.00074%); highest among the groups gnomAD compares: Non-Finnish European, 0.001%; no homozygotes.

Submission:

Labcorp Genetics (formerly Invitae), Labcorp
Classification: Uncertain significance. Last evaluated: 2021-06-18. Review status: criteria provided, single submitter. Criteria: Invitae Variant Classification Sherloc (09022015). Collection method: clinical testing. Allele origin: germline.
Comment: This variant is present in population databases (rs201706177, ExAC 0.004%). In summary, the available evidence is currently insufficient to determine the role of this variant in disease. Therefore, it has been classified as a Variant of Uncertain Significance. Algorithms developed to predict the effect of missense changes on protein structure and function are either unavailable or do not agree on the potential impact of this missense change (SIFT: "Deleterious"; PolyPhen-2: "Possibly Damaging"; Align-GVGD: "Class C0"). This variant has not been reported in the literature in individuals with COQ6-related conditions. This sequence change replaces valine with phenylalanine at codon 293 of the COQ6 protein (p.Val293Phe). The valine residue is weakly conserved and there is a small physicochemical difference between valine and phenylalanine.